The following is an entry in ClinVar:

GRCh37/hg19 14q32.2-32.33(chr14:100575917-107281934)

Genes: ADSS1 (adenylosuccinate synthase 1; plus strand), AHNAK2 (AHNAK nucleoprotein 2; minus strand), AKT1 (AKT serine/threonine kinase 1; minus strand), AMN (amnion associated transmembrane protein; plus strand), ANKRD9 (ankyrin repeat domain 9; minus strand) and 95 more. Cytogenetic location: 14q32.2-32.33.
Variant type: copy number gain.
Identifiers: ClinVar variation 625744 (VCV000625744.1).

ClinVar aggregate classification (germline): Pathogenic (1 of 4 stars; one submission).

Submission:

Baylor Genetics
Classification: Pathogenic. Last evaluated: 2018-11-01. Review status: criteria provided, single submitter. Criteria: ACMG CNV Guidelines, 2011. Collection method: clinical testing. Allele origin: de novo. Observed: 1 variant allele.